The following is an entry in ClinVar:

NM_001042492.3(NF1):c.169G>A (p.Gly57Ser)

Gene: NF1 (neurofibromin 1; plus strand). Cytogenetic location: 17q11.2.
Variant type: single nucleotide variant.
Coding change: c.169G>A on transcript NM_001042492.3 (MANE Select); coding-DNA position 169, G replaced by A.
Protein change: p.Gly57Ser; replaces glycine 57 with serine.
Molecular consequence: missense variant.
Genome position (GRCh38, 1-based): chr17:31,156,091, G>A. VCF-style: chr17-31156091-G-A. GRCh37 (hg19) VCF-style: chr17-29483109-G-A.
Other names: c.169G>A, p.Gly57Ser (NM_000267.4, NM_001128147.3); short protein forms G57S.
Identifiers: ClinVar variation 237522 (VCV000237522.60), dbSNP rs779727341, ClinGen allele CA8485485.
Genomic context (GRCh38, chr17:31,156,091, plus strand): 5'-GAGCACAACAAGGAATGTCTAATCAATATTTCCAAATACAAGTTTTCTTTGGTTATAAGC[G>A]GCCTCACTACTATTTTAAAGAATGTTAACAATATGGTGAGTATTTGGGTTACTGTGTTTT-3'
Protein context (NP_001035957.1, residues 47-67): SKYKFSLVIS[Gly57Ser]LTTILKNVNN

ClinVar aggregate classification (germline): Conflicting classifications of pathogenicity. Review status: criteria provided, conflicting classifications (1 of 4 stars). 13 submissions from 13 submitters: Uncertain significance (10); Likely benign (3). Last evaluated 2026-08-06.

Conditions:
Hereditary cancer. Identifiers: MedGen C1333600.
NF1-related disorder. Also called: NF1-related condition. Identifiers: MedGen CN379171.
Neurofibromatosis, type 1 (NF1). Also called: Peripheral type neurofibromatosis; Neurofibromatosis, type I; VON RECKLINGHAUSEN DISEASE; NEUROFIBROMATOSIS, TYPE I, SOMATIC. Identifiers: Orphanet 636, MedGen C0027831, MONDO:0018975, OMIM 162200. Disease mechanism: loss of function.
Juvenile myelomonocytic leukemia (JMML). Also called: LEUKEMIA, JUVENILE MYELOMONOCYTIC, SOMATIC. Identifiers: Orphanet 86834, MedGen C0349639, MONDO:0011908, OMIM 607785, HP:0012209.
Neurofibromatosis, familial spinal (FSNF). Identifiers: Orphanet 636, MedGen C1834235, MONDO:0008078, OMIM 162210. Disease mechanism: loss of function.
Café-au-lait macules with pulmonary stenosis (WTSN). Also called: PULMONIC STENOSIS WITH CAFE-AU-LAIT SPOTS. Identifiers: MedGen C0553586, MONDO:0008672, OMIM 193520.
Neurofibromatosis-Noonan syndrome (NFNS). Also called: NEUROFIBROMATOSIS WITH NOONAN PHENOTYPE. Identifiers: Orphanet 638, MedGen C2931482, MONDO:0011035, OMIM 601321. Disease mechanism: loss of function.
Hereditary cancer-predisposing syndrome. Also called: Tumor predisposition; Hereditary Cancer Syndrome; Neoplastic Syndromes, Hereditary; Hereditary neoplastic syndrome. Identifiers: Orphanet 140162, MedGen C0027672, MeSH D009386, MONDO:0015356.
Cardiovascular phenotype. Identifiers: MedGen CN230736.

Allele frequency attached by ClinVar (database versions not stated): gnomAD exomes 0.00002 and 0.00001; ExAC 0.00003; gnomAD 0.00003; TOPMed 0.00001.
gnomAD v4.1: 25 of 1,613,298 alleles (0.0015%); highest among the groups gnomAD compares: Admixed American, 0.018%; no homozygotes.

Submissions (13):

OLLIN Analises Genomicas, OLLIN
Classification: Uncertain significance for Café-au-lait macules with pulmonary stenosis. Last evaluated: 2026-08-06. Review status: criteria provided, single submitter. Criteria: ACMG Guidelines 2015 PMID 25741868. Collection method: clinical testing. Allele origin: germline. Inheritance: Autosomal dominant inheritance.
Comment: This missense variant, located in exon 2 (of 58), has been reported in ClinVar (accession VCV000840951.6) and in gnomAD with an allele frequency of 0.0015%. However, to our knowledge, it has not been reported in the scientific literature. In silico analysis is inconclusive regarding the impact of this variant. This variant is located in a region considered to be a mutational hotspot. This gene is constrained for missense variation. According to the currently available evidence, this variant has been classified as uncertain significance (PM1, PP2).

PreventionGenetics, part of Exact Sciences
Classification: Uncertain significance for NF1-related condition. Last evaluated: 2026-01-24. Review status: criteria provided, single submitter. Criteria: ACMG Guidelines, 2015. Collection method: clinical testing. Allele origin: germline.
Comment: The NF1 c.169G>A variant is predicted to result in the amino acid substitution p.Gly57Ser. This variant has been reported as a variant of uncertain significance in an individual with idiopathic short stature (Table 4, Andrade et al. 2022. PubMed ID: 36373817). This variant is reported in 0.0087% of alleles in individuals of Latino descent in gnomAD and has conflicting interpretations in ClinVar ranging from uncertain to likely benign (Variation ID: 237522). Although we suspect that this variant may be benign, at this time, the clinical significance of this variant is uncertain due to the absence of conclusive functional and genetic evidence.

Labcorp Genetics (formerly Invitae), Labcorp
Classification: Likely benign for Neurofibromatosis, type 1. Last evaluated: 2026-01-21. Review status: criteria provided, single submitter. Criteria: Invitae Variant Classification Sherloc (09022015). Collection method: clinical testing. Allele origin: germline.

Ambry Genetics
Classification: Likely benign for Cardiovascular phenotype; Hereditary cancer-predisposing syndrome. Last evaluated: 2024-10-29. Review status: criteria provided, single submitter. Criteria: Ambry Variant Classification Scheme 2023. Collection method: clinical testing. Allele origin: germline.

Blueprint Genetics
Classification: Uncertain significance. Last evaluated: 2024-03-26. Review status: criteria provided, single submitter. Criteria: ACMG Guidelines, 2015. Collection method: clinical testing. Allele origin: germline.

Mendelics
Classification: Likely benign for Hereditary cancer. Last evaluated: 2024-01-23. Review status: criteria provided, single submitter. Criteria: ACMG Guidelines, 2015. Collection method: clinical testing. Allele origin: unknown.

CeGaT Center for Human Genetics Tuebingen
Classification: Uncertain significance. Last evaluated: 2024-01-01. Review status: criteria provided, single submitter. Criteria: CeGaT Center For Human Genetics Tuebingen Variant Classification Criteria Version 2. Collection method: clinical testing. Allele origin: germline. Affected: yes. Observed: 1 variant allele.

GeneDx
Classification: Uncertain significance. Last evaluated: 2023-09-17. Review status: criteria provided, single submitter. Criteria: GeneDx Variant Classification Process June 2021. Collection method: clinical testing. Allele origin: germline. Affected: yes.
Comment: In silico analysis supports that this missense variant has a deleterious effect on protein structure/function; This variant is associated with the following publications: (PMID: 36373817)

Genome-Nilou Lab
Classification: Uncertain significance for Neurofibromatosis, type 1. Last evaluated: 2022-03-15. Review status: criteria provided, single submitter. Criteria: ACMG Guidelines, 2015. Collection method: clinical testing. Allele origin: germline. Affected: no.

Quest Diagnostics Nichols Institute San Juan Capistrano
Classification: Uncertain significance. Last evaluated: 2021-08-03. Review status: criteria provided, single submitter. Criteria: Quest Diagnostics criteria. Collection method: clinical testing. Allele origin: unknown.

Sema4
Classification: Uncertain significance for Hereditary cancer-predisposing syndrome. Last evaluated: 2021-04-22. Review status: criteria provided, single submitter. Criteria: Sema4 Curation Guidelines. Collection method: curation. Allele origin: germline.
Comment: The NF1 c.169G>A (p.G57S) variant has been reported in 1/60466 breast cancer cases and 0/53461 healthy controls by a large case-control study (PMID: 33471991). This variant was observed in 3/34590 chromosomes in the Latino population according to the Genome Aggregation Database (PMID: 32461654) and has been reported in ClinVar (Variation ID: 237522). Computational analyses and evolutionary conservation data do not provide strong support for or against an impact to the protein, however these predictions have not been confirmed by published functional studies. Based on the current evidence available, this variant is interpreted as a variant of uncertain significance.

Fulgent Genetics
Classification: Uncertain significance for Neurofibromatosis, type 1; Neurofibromatosis, familial spinal; Café-au-lait macules with pulmonary stenosis; Neurofibromatosis-Noonan syndrome; Juvenile myelomonocytic leukemia. Last evaluated: 2018-10-31. Review status: criteria provided, single submitter. Criteria: ACMG Guidelines, 2015. Collection method: clinical testing. Allele origin: unknown.

Center for Human Genetics, Inc
Classification: Uncertain significance for Neurofibromatosis, type 1. Last evaluated: 2016-11-01. Review status: criteria provided, single submitter. Criteria: ACMG Guidelines, 2015. Collection method: clinical testing. Allele origin: germline. Affected: yes.

Literature cited by the submitters: PubMed 33471991 (cited by Sema4).